The following is an entry in ClinVar:

NM_004999.4(MYO6):c.2777T>A (p.Leu926Gln)

Gene: MYO6 (myosin VI; plus strand). Cytogenetic location: 6q14.1.
Variant type: single nucleotide variant.
Coding change: c.2777T>A on transcript NM_004999.4 (MANE Select); coding-DNA position 2777, T replaced by A.
Protein change: p.Leu926Gln; replaces leucine 926 with glutamine.
Molecular consequence: missense variant. On other transcripts: non-coding transcript variant (1).
Genome position (GRCh38, 1-based): chr6:75,890,175, T>A. VCF-style: chr6-75890175-T-A. GRCh37 (hg19) VCF-style: chr6-76599892-T-A.
Other names: NM_004999.3:c.2777T>A; c.2777T>A, p.Leu926Gln (NM_001300899.2, NM_001368136.1, NM_001368137.1 and 2 more transcripts); c.2762T>A, p.Leu921Gln (NM_001368138.1); short protein forms L921Q, L926Q.
Identifiers: ClinVar variation 1334126 (VCV001334126.2), dbSNP rs2149367858, ClinGen allele CA364776921.
Genomic context (GRCh38, chr6:75,890,175, plus strand): 5'-CAGAGGAACTCCTCAGTGCATTACAGAAAAAAAAACAGCAGGAAGAGGAAGCAGAAAGGC[T>A]GAGGCGTATTCAAGAAGAAATGGAAAAGGAAAGAAAAAGACGTGAAGAAGACGAAAAACG-3'
Protein context (NP_004990.3, residues 916-936): KKQQEEEAER[Leu926Gln]RRIQEEMEKE

ClinVar aggregate classification (germline): Likely pathogenic (1 of 4 stars; one submission).

Conditions:
Autosomal recessive nonsyndromic hearing loss 37. Identifiers: Orphanet 90636, MedGen C1843028, MONDO:0011912, OMIM 607821.

Submission:

King Laboratory, University of Washington
Classification: Likely pathogenic for Autosomal recessive nonsyndromic hearing loss 37. Last evaluated: 2020-08-01. Review status: criteria provided, single submitter. Criteria: Abu Rayyan A et al. (Proc Natl Acad Sci U S A 2020). Collection method: research. Allele origin: germline. Affected: yes.
Comment: MYO6 c.2777T>A, p.L926Q alters a residue of the myosinVI-specific single alpha helix (SAH) domain (PMID: 18511944) that is conserved as Leu in all sequenced vertebrates. The variant is homozygous in 9 children from 4 Palestinian families with pre-lingual profound hearing loss (Abu Rayyan 2020). It is absent from 1300 Palestinian controls and absent from gnomAD v2.1.1.